The following is an entry in ClinVar:

ClinVar aggregate classification (germline): Uncertain significance. Review status: criteria provided, multiple submitters, no conflicts (2 of 4 stars). 2 submissions from 2 submitters: Uncertain significance (2). Last evaluated 2025-10-31.

Conditions:
Charcot-Marie-Tooth disease axonal type 2Z. Also called: CHARCOT-MARIE-TOOTH DISEASE, AXONAL, AUTOSOMAL DOMINANT, TYPE 2Z; CHARCOT-MARIE-TOOTH NEUROPATHY, TYPE 2Z. Identifiers: Orphanet 466768, MedGen C5569025, MONDO:0014736, OMIM 616688.
MORC2-related disorder. Also called: MORC2-related condition.

Allele frequency attached by ClinVar (database versions not stated): TOPMed below 0.00001; gnomAD 0.00001; gnomAD exomes 0.00001.
gnomAD v4.1: 9 of 1,614,008 alleles (0.00056%); highest among the groups gnomAD compares: Non-Finnish European, 0.00076%; no homozygotes.

Submissions (2):

Labcorp Genetics (formerly Invitae), Labcorp
Classification: Uncertain significance for Charcot-Marie-Tooth disease axonal type 2Z. Last evaluated: 2025-10-31. Review status: criteria provided, single submitter. Criteria: Invitae Variant Classification Sherloc (09022015). Collection method: clinical testing. Allele origin: germline.
Comment: This sequence change replaces serine, which is neutral and polar, with proline, which is neutral and non-polar, at codon 698 of the MORC2 protein (p.Ser698Pro). This variant is present in population databases (no rsID available, gnomAD 0.002%). This variant has not been reported in the literature in individuals affected with MORC2-related conditions. ClinVar contains an entry for this variant (Variation ID: 542281). Invitae Evidence Modeling of protein sequence and biophysical properties (such as structural, functional, and spatial information, amino acid conservation, physicochemical variation, residue mobility, and thermodynamic stability) indicates that this missense variant is not expected to disrupt MORC2 protein function with a negative predictive value of 95%. In summary, the available evidence is currently insufficient to determine the role of this variant in disease. Therefore, it has been classified as a Variant of Uncertain Significance.

PreventionGenetics, part of Exact Sciences
Classification: Uncertain significance for MORC2-related condition. Last evaluated: 2023-04-06. Review status: criteria provided, single submitter. Criteria: ACMG Guidelines, 2015. Collection method: clinical testing. Allele origin: germline.
Comment: The MORC2 c.2092T>C variant is predicted to result in the amino acid substitution p.Ser698Pro. To our knowledge, this variant has not been reported in the literature. This variant is reported in 0.0023% of alleles in individuals of European (Non-Finnish) descent in gnomAD. At this time, the clinical significance of this variant is uncertain due to the absence of conclusive functional and genetic evidence.

NM_001303256.3(MORC2):c.2092T>C (p.Ser698Pro)

Gene: MORC2 (MORC family CW-type zinc finger 2; minus strand). Cytogenetic location: 22q12.2.
Variant type: single nucleotide variant.
Coding change: c.2092T>C on transcript NM_001303256.3 (MANE Select); coding-DNA position 2092, T replaced by C.
Protein change: p.Ser698Pro; replaces serine 698 with proline.
Molecular consequence: missense variant.
Genome position (GRCh38, 1-based): chr22:30,934,882, A>G on the plus strand (T>C on the coding strand, the complement: MORC2 is on the minus strand). VCF-style: chr22-30934882-A-G. GRCh37 (hg19) VCF-style: chr22-31330869-A-G.
Other names: c.2092T>C, p.Ser698Pro (NM_001303257.2); c.1906T>C, p.Ser636Pro (NM_014941.3); c.2092T>C (NM_001303256.2); short protein forms S698P, S636P.
Identifiers: ClinVar variation 542281 (VCV000542281.11), dbSNP rs897158764, ClinGen allele CA323271275.